The following is an entry in ClinVar:

NM_001165963.4(SCN1A):c.5739A>G (p.Lys1913=)

Genes: SCN1A (sodium voltage-gated channel alpha subunit 1; minus strand), LOC102724058 (uncharacterized LOC102724058; plus strand). Cytogenetic location: 2q24.3.
Variant type: single nucleotide variant.
Coding change: c.5739A>G on transcript NM_001165963.4 (MANE Select); coding-DNA position 5739, A replaced by G.
Protein change: p.Lys1913=; no amino-acid change (lysine 1913 retained).
Molecular consequence: synonymous variant. On other transcripts: non-coding transcript variant (1).
Genome position (GRCh38, 1-based): chr2:165,991,536, T>C on the plus strand (A>G on the coding strand, the complement: SCN1A is on the minus strand). VCF-style: chr2-165991536-T-C. GRCh37 (hg19) VCF-style: chr2-166848046-T-C.
Other names: c.5655A>G, p.Lys1885= (NM_001165964.3, NM_001353957.2, NM_001353958.2); c.5739A>G, p.Lys1913= (NM_001202435.3, NM_001353948.2); c.5706A>G, p.Lys1902= (NM_001353949.2, NM_001353950.2, NM_001353951.2 and 2 more transcripts); c.5703A>G, p.Lys1901= (NM_001353954.2, NM_001353955.2); c.5652A>G, p.Lys1884= (NM_001353960.2); c.3297A>G, p.Lys1099= (NM_001353961.2).
Identifiers: ClinVar variation 386383 (VCV000386383.11), dbSNP rs554861427, ClinGen allele CA1942647.
Genomic context (GRCh38, chr2:165,991,536, plus strand): 5'-TCGCTTTAAAAGGTGGCGTCTGTAAGCACGCTGAATAATGACAGCAGATACTTCCTCTTG[T>C]TTTCGTTTTAAAGTAGTAGTGATTGGCTGATAGGAGACCTTGGAAGGATTGGAAGCCATG-3'
Protein context (NP_001159435.1, residues 1903-1923): YQPITTTLKR[Lys1913=]QEEVSAVIIQ

ClinVar aggregate classification (germline): Benign/Likely benign. Review status: criteria provided, multiple submitters, no conflicts (2 of 4 stars). 2 submissions from 2 submitters: Benign (1); Likely benign (1). Last evaluated 2024-11-04.

Conditions:
Early-infantile DEE. Also called: Ohtahara syndrome; Early infantile epileptic encephalopathy; Early infantile epileptic encephalopathy with suppression bursts. Identifiers: Orphanet 1934, MedGen C0393706, MONDO:0800491.

Allele frequency attached by ClinVar (database versions not stated): gnomAD below 0.00001 and 0.00005; TOPMed below 0.00001; gnomAD exomes 0.00007 and 0.00014; 1000 Genomes Project 30x 0.00016; ExAC 0.00016; 1000 Genomes Project 0.00020.
gnomAD v4.1: 108 of 1,613,946 alleles (0.0067%); highest among the groups gnomAD compares: South Asian, 0.11%; 2 homozygotes.

Submissions (2):

Labcorp Genetics (formerly Invitae), Labcorp
Classification: Benign for Early-infantile DEE. Last evaluated: 2024-11-04. Review status: criteria provided, single submitter. Criteria: Invitae Variant Classification Sherloc (09022015). Collection method: clinical testing. Allele origin: germline.

GeneDx
Classification: Likely benign. Last evaluated: 2018-03-16. Review status: criteria provided, single submitter. Criteria: GeneDx Variant Classification (06012015). Collection method: clinical testing. Allele origin: germline. Affected: yes.
Comment: This variant is considered likely benign or benign based on one or more of the following criteria: it is a conservative change, it occurs at a poorly conserved position in the protein, it is predicted to be benign by multiple in silico algorithms, and/or has population frequency not consistent with disease.